The following is an entry in ClinVar:

NM_001394998.1(TANC2):c.4601G>A (p.Arg1534Gln)

Gene: TANC2 (tetratricopeptide repeat, ankyrin repeat and coiled-coil containing 2; plus strand). Cytogenetic location: 17q23.3.
Variant type: single nucleotide variant.
Coding change: c.4601G>A on transcript NM_001394998.1 (MANE Select); coding-DNA position 4601, G replaced by A.
Protein change: p.Arg1534Gln; replaces arginine 1534 with glutamine.
Molecular consequence: missense variant.
Genome position (GRCh38, 1-based): chr17:63,420,331, G>A. VCF-style: chr17-63420331-G-A. GRCh37 (hg19) VCF-style: chr17-61497692-G-A.
Other names: c.4379G>A, p.Arg1460Gln (NM_001411076.1); c.4349G>A, p.Arg1450Gln (NM_025185.4); short protein forms R1534Q, R1450Q, R1460Q.
Identifiers: ClinVar variation 2368849 (VCV002368849.26), dbSNP rs370919725, ClinGen allele CA8698289.
Genomic context (GRCh38, chr17:63,420,331, plus strand): 5'-AGGCCCGGCCCAGCCAGGGGCTCCCGGTCATCCAGAGCCCACCCTCCTCTCCCCCGCATC[G>A]GGACTCAGCCTACATCTCCAGCTCACCTCTTGGCTCTCATCAGGTTTTTGACTTCCGGTC-3'
Protein context (NP_001381927.1, residues 1524-1544): IQSPPSSPPH[Arg1534Gln]DSAYISSSPL

ClinVar aggregate classification (germline): Likely benign. Review status: criteria provided, multiple submitters, no conflicts (2 of 4 stars). 2 submissions from 2 submitters: Likely benign (2). Last evaluated 2022-06-01.

Conditions:
Inborn genetic diseases. Identifiers: MedGen C0950123, MeSH D030342.

Allele frequency attached by ClinVar (database versions not stated): gnomAD 0.00004; ExAC 0.00005; TOPMed 0.00008; gnomAD exomes 0.00011; ESP Exome Variant Server 0.00016.
gnomAD v4.1: 162 of 1,613,792 alleles (0.01%); highest among the groups gnomAD compares: Middle Eastern, 0.033%; 1 homozygote.

Submissions (2):

CeGaT Center for Human Genetics Tuebingen
Classification: Likely benign. Last evaluated: 2022-06-01. Review status: criteria provided, single submitter. Criteria: CeGaT Center For Human Genetics Tuebingen Variant Classification Criteria Version 2. Collection method: clinical testing. Allele origin: germline. Affected: yes. Observed: 1 variant allele.
Comment: TANC2: BP4

Ambry Genetics
Classification: Likely benign for Inborn genetic diseases. Last evaluated: 2021-08-13. Review status: criteria provided, single submitter. Criteria: Ambry Variant Classification Scheme 2023. Collection method: clinical testing. Allele origin: germline.